The following is an entry in ClinVar:

ClinVar aggregate classification (germline): Uncertain significance (1 of 4 stars; one submission).

Allele frequency attached by ClinVar (database versions not stated): gnomAD exomes below 0.00001.
gnomAD v4.1: 1 of 1,602,238 alleles (0.000062%); highest among the groups gnomAD compares: South Asian, 0.0011%; no homozygotes.

Submission:

Labcorp Genetics (formerly Invitae), Labcorp
Classification: Uncertain significance. Last evaluated: 2024-04-05. Review status: criteria provided, single submitter. Criteria: Invitae Variant Classification Sherloc (09022015). Collection method: clinical testing. Allele origin: germline.
Comment: This sequence change replaces alanine, which is neutral and non-polar, with valine, which is neutral and non-polar, at codon 315 of the NUP133 protein (p.Ala315Val). This variant is not present in population databases (gnomAD no frequency). This variant has not been reported in the literature in individuals affected with NUP133-related conditions. ClinVar contains an entry for this variant (Variation ID: 2002934). Algorithms developed to predict the effect of missense changes on protein structure and function output the following: SIFT: "Not Available"; PolyPhen-2: "Benign"; Align-GVGD: "Not Available". The valine amino acid residue is found in multiple mammalian species, which suggests that this missense change does not adversely affect protein function. In summary, the available evidence is currently insufficient to determine the role of this variant in disease. Therefore, it has been classified as a Variant of Uncertain Significance.

NM_018230.3(NUP133):c.944C>T (p.Ala315Val)

Gene: NUP133 (nucleoporin 133; minus strand). Cytogenetic location: 1q42.13.
Variant type: single nucleotide variant.
Coding change: c.944C>T on transcript NM_018230.3 (MANE Select); coding-DNA position 944, C replaced by T.
Protein change: p.Ala315Val; replaces alanine 315 with valine.
Molecular consequence: missense variant.
Genome position (GRCh38, 1-based): chr1:229,495,923, G>A on the plus strand (C>T on the coding strand, the complement: NUP133 is on the minus strand). VCF-style: chr1-229495923-G-A. GRCh37 (hg19) VCF-style: chr1-229631670-G-A.
Other names: short protein forms A315V.
Identifiers: ClinVar variation 2002934 (VCV002002934.4), dbSNP rs2527564524, ClinGen allele CA345167771.